The following is an entry in ClinVar:

ClinVar aggregate classification (germline): Uncertain significance. Review status: criteria provided, multiple submitters, no conflicts (2 of 4 stars). 2 submissions from 2 submitters: Uncertain significance (2). Last evaluated 2025-09-07.

Conditions:
Cardiovascular phenotype. Identifiers: MedGen CN230736.
Walker-Warburg congenital muscular dystrophy. Also called: Muscular dystrophy-dystroglycanopathy, type A; Walker-Warburg syndrome. Identifiers: Orphanet 899, MedGen C0265221, MONDO:0000171.

gnomAD v4.1: 4 of 1,521,328 alleles (0.00026%); highest among the groups gnomAD compares: African/African-American, 0.0014%; no homozygotes.

Submissions (2):

Ambry Genetics
Classification: Uncertain significance for Cardiovascular phenotype. Last evaluated: 2025-09-07. Review status: criteria provided, single submitter. Criteria: Ambry Variant Classification Scheme 2023. Collection method: clinical testing. Allele origin: germline.
Comment: The p.A113S variant (also known as c.337G>T), located in coding exon 1 of the FKRP gene, results from a G to T substitution at nucleotide position 337. The alanine at codon 113 is replaced by serine, an amino acid with similar properties. This amino acid position is conserved. In addition, this alteration is predicted to be tolerated by in silico analysis. Based on the available evidence, the clinical significance of this variant remains unclear.

Labcorp Genetics (formerly Invitae), Labcorp
Classification: Uncertain significance for Walker-Warburg congenital muscular dystrophy. Last evaluated: 2024-09-03. Review status: criteria provided, single submitter. Criteria: Invitae Variant Classification Sherloc (09022015). Collection method: clinical testing. Allele origin: germline.
Comment: This sequence change replaces alanine, which is neutral and non-polar, with serine, which is neutral and polar, at codon 113 of the FKRP protein (p.Ala113Ser). This variant is not present in population databases (gnomAD no frequency). This variant has not been reported in the literature in individuals affected with FKRP-related conditions. Invitae Evidence Modeling of protein sequence and biophysical properties (such as structural, functional, and spatial information, amino acid conservation, physicochemical variation, residue mobility, and thermodynamic stability) indicates that this missense variant is not expected to disrupt FKRP protein function with a negative predictive value of 95%. In summary, the available evidence is currently insufficient to determine the role of this variant in disease. Therefore, it has been classified as a Variant of Uncertain Significance.

NM_024301.5(FKRP):c.337G>T (p.Ala113Ser)

Gene: FKRP (fukutin related protein; plus strand). Cytogenetic location: 19q13.32.
Variant type: single nucleotide variant.
Coding change: c.337G>T on transcript NM_024301.5 (MANE Select); coding-DNA position 337, G replaced by T.
Protein change: p.Ala113Ser; replaces alanine 113 with serine.
Molecular consequence: missense variant.
Genome position (GRCh38, 1-based): chr19:46,755,787, G>T. VCF-style: chr19-46755787-G-T. GRCh37 (hg19) VCF-style: chr19-47259044-G-T.
Other names: c.337G>T, p.Ala113Ser (NM_001039885.3); c.337G>T (NM_024301.4); short protein forms A113S.
Identifiers: ClinVar variation 3721043 (VCV003721043.2).